The following is an entry in ClinVar:

NM_000245.4(MET):c.928A>G (p.Lys310Glu)

Gene: MET (MET proto-oncogene, receptor tyrosine kinase; plus strand). Cytogenetic location: 7q31.2.
Variant type: single nucleotide variant.
Coding change: c.928A>G on transcript NM_000245.4 (MANE Select); coding-DNA position 928, A replaced by G.
Protein change: p.Lys310Glu; replaces lysine 310 with glutamic acid.
Molecular consequence: missense variant. On other transcripts: intron variant (1).
Genome position (GRCh38, 1-based): chr7:116,700,012, A>G. VCF-style: chr7-116700012-A-G. GRCh37 (hg19) VCF-style: chr7-116340066-A-G.
Other names: c.928A>G, p.Lys310Glu (NM_001127500.3, NM_001324401.3); c.-91+27435A>G (NM_001324402.2); short protein forms K310E.
Identifiers: ClinVar variation 4798025 (VCV004798025.1).

ClinVar aggregate classification (germline): Uncertain significance (1 of 4 stars; one submission).

Conditions:
Renal cell carcinoma. Identifiers: Orphanet 217071, MedGen C0007134, MeSH D002292, MONDO:0005086, HP:0005584.

Submission:

Labcorp Genetics (formerly Invitae), Labcorp
Classification: Uncertain significance for Renal cell carcinoma. Last evaluated: 2025-06-01. Review status: criteria provided, single submitter. Criteria: Invitae Variant Classification Sherloc (09022015). Collection method: clinical testing. Allele origin: germline.
Comment: This sequence change replaces lysine, which is basic and polar, with glutamic acid, which is acidic and polar, at codon 310 of the MET protein (p.Lys310Glu). This variant is not present in population databases (gnomAD no frequency). This variant has not been reported in the literature in individuals affected with MET-related conditions. Invitae Evidence Modeling of protein sequence and biophysical properties (such as structural, functional, and spatial information, amino acid conservation, physicochemical variation, residue mobility, and thermodynamic stability) indicates that this missense variant is not expected to disrupt MET protein function with a negative predictive value of 80%. In summary, the available evidence is currently insufficient to determine the role of this variant in disease. Therefore, it has been classified as a Variant of Uncertain Significance.